The following is an entry in ClinVar:

NM_003336.4(UBE2A):c.321A>G (p.Thr107=)

Gene: UBE2A (ubiquitin conjugating enzyme E2 A; plus strand). Cytogenetic location: Xq24.
Variant type: single nucleotide variant.
Coding change: c.321A>G on transcript NM_003336.4 (MANE Select); coding-DNA position 321, A replaced by G.
Protein change: p.Thr107=; no amino-acid change (threonine 107 retained).
Molecular consequence: synonymous variant.
Genome position (GRCh38, 1-based): chrX:119,582,667, A>G. VCF-style: chrX-119582667-A-G. GRCh37 (hg19) VCF-style: chrX-118716630-A-G.
Other names: c.222A>G, p.Thr74= (NM_001282161.2); c.231A>G, p.Thr77= (NM_181762.3); c.321A>G (NM_003336.3).
Identifiers: ClinVar variation 197753 (VCV000197753.20), dbSNP rs61757566, ClinGen allele CA203061.

ClinVar aggregate classification (germline): Benign/Likely benign. Review status: criteria provided, multiple submitters, no conflicts (2 of 4 stars). 6 submissions from 6 submitters: Benign (3); Likely benign (2). 1 of the submissions does not count toward it. Last evaluated 2025-10-25.

Conditions:
UBE2A-related disorder. Also called: UBE2A-related condition.
Inborn genetic diseases. Identifiers: MedGen C0950123, MeSH D030342.

Allele frequency attached by ClinVar (database versions not stated): gnomAD 0.00065 and 0.00071; TOPMed 0.00065; ESP Exome Variant Server 0.00066; gnomAD exomes 0.00070 and 0.00075; ExAC 0.00083.
gnomAD v4.1: 831 of 1,200,221 alleles (0.069%); highest among the groups gnomAD compares: Middle Eastern, 0.39%; 1 homozygote.

Submissions (6):

Labcorp Genetics (formerly Invitae), Labcorp
Classification: Likely benign. Last evaluated: 2025-10-25. Review status: criteria provided, single submitter. Criteria: Invitae Variant Classification Sherloc (09022015). Collection method: clinical testing. Allele origin: germline.

Blueprint Genetics
Classification: Likely benign. Last evaluated: 2024-10-29. Review status: criteria provided, single submitter. Criteria: ACMG Guidelines, 2015. Collection method: clinical testing. Allele origin: germline.

Ambry Genetics
Classification: Benign for Inborn genetic diseases. Last evaluated: 2017-09-28. Review status: criteria provided, single submitter. Criteria: Ambry Variant Classification Scheme 2023. Collection method: clinical testing. Allele origin: germline.

GeneDx
Classification: Benign. Last evaluated: 2015-03-03. Review status: criteria provided, single submitter. Criteria: GeneDx Variant Classification Process June 2021. Collection method: clinical testing. Allele origin: germline. Affected: yes.

Eurofins Ntd Llc (ga)
Classification: Benign. Last evaluated: 2014-12-18. Review status: criteria provided, single submitter. Criteria: EGL Classification Definitions 2015. Collection method: clinical testing. Allele origin: germline. Observed: 1 variant allele, 1 heterozygote.

PreventionGenetics, part of Exact Sciences
Classification: Likely benign for UBE2A-related condition. Last evaluated: 2019-03-20. Review status: no assertion criteria provided. Collection method: clinical testing. Allele origin: germline. Not counted in ClinVar's aggregate classification.
Comment: This variant is classified as likely benign based on ACMG/AMP sequence variant interpretation guidelines (Richards et al. 2015 PMID: 25741868, with internal and published modifications).